The following is an entry in ClinVar:

NM_001735.3(C5):c.4080+4A>G

Gene: C5 (complement C5; minus strand). Cytogenetic location: 9q33.2.
Variant type: single nucleotide variant.
Coding change: c.4080+4A>G on transcript NM_001735.3 (MANE Select); 4 bases into the intron after coding-DNA position 4080, A replaced by G.
Molecular consequence: intron variant.
Genome position (GRCh38, 1-based): chr9:120,971,926, T>C on the plus strand (A>G on the coding strand, the complement: C5 is on the minus strand). VCF-style: chr9-120971926-T-C. GRCh37 (hg19) VCF-style: chr9-123734204-T-C.
Other names: c.4098+4A>G (NM_001317163.2).
Identifiers: ClinVar variation 1907019 (VCV001907019.3), dbSNP rs1369094467, ClinGen allele CA466943962.
Genomic context (GRCh38, chr9:120,971,926, plus strand): 5'-ACTTTTATGTTACCTAGTACAAATGGACACATAACTCGTTATTGGATATCAATTAAATAC[T>C]TACATGTACTGTAGCCAAGCCACTGCCAAATCCTGTACTGACAATGAGGTCATCATTGAG-3'

ClinVar aggregate classification (germline): Uncertain significance (1 of 4 stars; one submission).

Allele frequency attached by ClinVar (database versions not stated): gnomAD 0.00003; gnomAD exomes 0.00003; TOPMed 0.00003.
gnomAD v4.1: 46 of 1,604,204 alleles (0.0029%); highest among the groups gnomAD compares: Non-Finnish European, 0.0035%; 1 homozygote.

Submission:

Labcorp Genetics (formerly Invitae), Labcorp
Classification: Uncertain significance. Last evaluated: 2022-06-22. Review status: criteria provided, single submitter. Criteria: Invitae Variant Classification Sherloc (09022015). Collection method: clinical testing. Allele origin: germline.
Comment: This variant is present in population databases (no rsID available, gnomAD 0.004%). This sequence change falls in intron 31 of the C5 gene. It does not directly change the encoded amino acid sequence of the C5 protein. It affects a nucleotide within the consensus splice site. This variant has not been reported in the literature in individuals affected with C5-related conditions. In summary, the available evidence is currently insufficient to determine the role of this variant in disease. Therefore, it has been classified as a Variant of Uncertain Significance. Variants that disrupt the consensus splice site are a relatively common cause of aberrant splicing (PMID: 17576681, 9536098). Algorithms developed to predict the effect of sequence changes on RNA splicing suggest that this variant may disrupt the consensus splice site.

Literature cited by the submitters: PubMed 17576681; PubMed 9536098.